The following is an entry in ClinVar:

NM_001159699.2(FHL1):c.212A>T (p.His71Leu)

Gene: FHL1 (four and a half LIM domains 1; plus strand). Cytogenetic location: Xq26.3.
Variant type: single nucleotide variant.
Coding change: c.212A>T on transcript NM_001159699.2 (MANE Select); coding-DNA position 212, A replaced by T.
Protein change: p.His71Leu; replaces histidine 71 with leucine.
Molecular consequence: missense variant. On other transcripts: non-coding transcript variant (1).
Genome position (GRCh38, 1-based): chrX:136,207,023, A>T. VCF-style: chrX-136207023-A-T. GRCh37 (hg19) VCF-style: chrX-135289182-A-T.
Other names: c.164A>T, p.His55Leu (NM_001159700.2, NM_001159702.3, NM_001159703.2 and 9 more transcripts); c.251A>T, p.His84Leu (NM_001159701.2); c.212A>T, p.His71Leu (NM_001330659.2); short protein forms H55L, H71L, H84L.
Identifiers: ClinVar variation 3850315 (VCV003850315.1).
Genomic context (GRCh38, chrX:136,207,023, plus strand): 5'-CCACCACCCCCAGCACCCCTCATGGTGGCCCACCCTGTCTGCTTGGTTTCCAGGAGGTGC[A>T]CTATAAGAACCGCTTCTGGCATGACACCTGCTTCCGCTGTGCCAAGTGCCTTCACCCCTT-3'
Protein context (NP_001153171.1, residues 61-81): KPIGADSKEV[His71Leu]YKNRFWHDTC

ClinVar aggregate classification (germline): Uncertain significance (1 of 4 stars; one submission).

Conditions:
Cardiovascular phenotype. Identifiers: MedGen CN230736.

Submission:

Ambry Genetics
Classification: Uncertain significance for Cardiovascular phenotype. Last evaluated: 2024-12-23. Review status: criteria provided, single submitter. Criteria: Ambry Variant Classification Scheme 2023. Collection method: clinical testing. Allele origin: germline.
Comment: The p.H55L variant (also known as c.164A>T), located in coding exon 2 of the FHL1 gene, results from an A to T substitution at nucleotide position 164. The histidine at codon 55 is replaced by leucine, an amino acid with similar properties. This amino acid position is conserved. In addition, the in silico prediction for this alteration is inconclusive. Based on the available evidence, the clinical significance of this variant remains unclear.